The following is an entry in ClinVar:

NM_002500.5(NEUROD1):c.838A>G (p.Asn280Asp)

Gene: NEUROD1 (neuronal differentiation 1; minus strand). Cytogenetic location: 2q31.3.
Variant type: single nucleotide variant.
Coding change: c.838A>G on transcript NM_002500.5 (MANE Select); coding-DNA position 838, A replaced by G.
Protein change: p.Asn280Asp; replaces asparagine 280 with aspartic acid.
Molecular consequence: missense variant.
Genome position (GRCh38, 1-based): chr2:181,678,023, T>C on the plus strand (A>G on the coding strand, the complement: NEUROD1 is on the minus strand). VCF-style: chr2-181678023-T-C. GRCh37 (hg19) VCF-style: chr2-182542750-T-C.
Other names: short protein forms N280D.
Identifiers: ClinVar variation 4083135 (VCV004083135.1).

ClinVar aggregate classification (germline): Uncertain significance (1 of 4 stars; one submission).

Submission:

GeneDx
Classification: Uncertain significance. Last evaluated: 2025-03-07. Review status: criteria provided, single submitter. Criteria: GeneDx Variant Classification Process June 2021. Collection method: clinical testing. Allele origin: germline. Affected: yes.
Comment: Not observed at significant frequency in large population cohorts (gnomAD); In silico analysis supports that this missense variant has a deleterious effect on protein structure/function; Has not been previously published as pathogenic or benign to our knowledge